The following is an entry in ClinVar:

ClinVar aggregate classification (germline): Benign. Review status: criteria provided, multiple submitters, no conflicts (2 of 4 stars). 2 submissions from 2 submitters: Benign (2). Last evaluated 2018-01-13.

Conditions:
Chondrodysplasia with joint dislocations, gPAPP type. Also called: GPAPP DEFICIENCY. Identifiers: Orphanet 280586, MedGen C3279757, MONDO:0013561, OMIM 614078.

Allele frequency attached by ClinVar (database versions not stated): gnomAD 0.20461 and 0.20907; TOPMed 0.22128; 1000 Genomes Project 0.27057; 1000 Genomes Project 30x 0.27171.

Submissions (2):

Illumina Laboratory Services, Illumina
Classification: Benign for Chondrodysplasia with joint dislocations, gPAPP type. Last evaluated: 2018-01-13. Review status: criteria provided, single submitter. Criteria: ICSL Variant Classification Criteria 13 December 2019. Collection method: clinical testing. Allele origin: germline.
Comment: This variant was observed in the ICSL laboratory as part of a predisposition screen in an ostensibly healthy population. It had not been previously curated by ICSL or reported in the Human Gene Mutation Database (HGMD: prior to June 1st, 2018), and was therefore a candidate for classification through an automated scoring system. Utilizing variant allele frequency, disease prevalence and penetrance estimates, and inheritance mode, an automated score was calculated to assess if this variant is too frequent to cause the disease. Based on the score and internal cut-off values, a variant classified as benign is not then subjected to further curation. The score for this variant resulted in a classification of benign for this disease.

Breakthrough Genomics
Classification: Benign. Review status: criteria provided, single submitter. Criteria: ACMG Guidelines, 2015. Collection method: not provided. Allele origin: germline. Inheritance: Autosomal recessive inheritance. Affected: yes.

NM_017813.5(BPNT2):c.*4209G>A

Gene: BPNT2 (3'(2'), 5'-bisphosphate nucleotidase 2; minus strand). Cytogenetic location: 8q12.1.
Variant type: single nucleotide variant.
Coding change: c.*4209G>A on transcript NM_017813.5 (MANE Select); 4209 bases downstream of the stop codon, G replaced by A.
Molecular consequence: 3 prime UTR variant.
Genome position (GRCh38, 1-based): chr8:56,959,584, C>T on the plus strand (G>A on the coding strand, the complement: BPNT2 is on the minus strand). VCF-style: chr8-56959584-C-T. GRCh37 (hg19) VCF-style: chr8-57872143-C-T.
Identifiers: ClinVar variation 363344 (VCV000363344.6), dbSNP rs1396116, ClinGen allele CA10628008.